The following is an entry in ClinVar:

ClinVar aggregate classification (germline): Uncertain significance (1 of 4 stars; one submission).

Conditions:
Microcephaly, normal intelligence and immunodeficiency (NBS). Also called: BERLIN BREAKAGE SYNDROME; Immunodeficiency, microcephaly with normal intelligence; Nijmegen breakage syndrome; Microcephaly with normal intelligence immunodeficiency and lymphoreticular malignancies; Nonsyndromal microcephaly autosomal recessive with normal intelligence; Seemanova syndrome 2. Identifiers: Orphanet 647, MedGen C0398791, MONDO:0009623, OMIM 251260.

Submission:

Labcorp Genetics (formerly Invitae), Labcorp
Classification: Uncertain significance for Microcephaly, normal intelligence and immunodeficiency. Last evaluated: 2021-04-25. Review status: criteria provided, single submitter. Criteria: Invitae Variant Classification Sherloc (09022015). Collection method: clinical testing. Allele origin: germline.
Comment: In summary, the available evidence is currently insufficient to determine the role of this variant in disease. Therefore, it has been classified as a Variant of Uncertain Significance. Nucleotide substitutions within the consensus splice site are a relatively common cause of aberrant splicing (PMID: 17576681, 9536098). Algorithms developed to predict the effect of sequence changes on RNA splicing suggest that this variant may disrupt the consensus splice site, but this prediction has not been confirmed by published transcriptional studies. This variant has not been reported in the literature in individuals with NBN-related conditions. This variant is not present in population databases (ExAC no frequency). This sequence change falls in intron 2 of the NBN gene. It does not directly change the encoded amino acid sequence of the NBN protein. It affects a nucleotide within the consensus splice site of the intron.

Literature cited by the submitters: PubMed 17576681; PubMed 9536098.

NM_002485.5(NBN):c.172-3C>G

Gene: NBN (nibrin; minus strand). Cytogenetic location: 8q21.3.
Variant type: single nucleotide variant.
Coding change: c.172-3C>G on transcript NM_002485.5 (MANE Select); 3 bases into the intron before coding-DNA position 172, C replaced by G.
Molecular consequence: intron variant.
Genome position (GRCh38, 1-based): chr8:89,981,526, G>C on the plus strand (C>G on the coding strand, the complement: NBN is on the minus strand). VCF-style: chr8-89981526-G-C. GRCh37 (hg19) VCF-style: chr8-90993754-G-C.
Other names: c.-75-3C>G (NM_001024688.3).
Identifiers: ClinVar variation 1470751 (VCV001470751.6), dbSNP rs587781620, ClinGen allele CA2573143458.